The following is an entry in ClinVar:

NM_139057.4(ADAMTS17):c.649C>T (p.Arg217Trp)

Gene: ADAMTS17 (ADAM metallopeptidase with thrombospondin type 1 motif 17; minus strand). Cytogenetic location: 15q26.3.
Variant type: single nucleotide variant.
Coding change: c.649C>T on transcript NM_139057.4 (MANE Select); coding-DNA position 649, C replaced by T.
Protein change: p.Arg217Trp; replaces arginine 217 with tryptophan.
Molecular consequence: missense variant.
Genome position (GRCh38, 1-based): chr15:100,281,369, G>A on the plus strand (C>T on the coding strand, the complement: ADAMTS17 is on the minus strand). VCF-style: chr15-100281369-G-A. GRCh37 (hg19) VCF-style: chr15-100821574-G-A.
Other names: c.649C>T (NM_139057.2); short protein forms R217W.
Identifiers: ClinVar variation 1390508 (VCV001390508.5), dbSNP rs148578396, ClinGen allele CA7758628.
Genomic context (GRCh38, chr15:100,281,369, plus strand): 5'-GGGTCTCCACCGTGTGCTCGCTGGTGAGCCGGATAGCGTTCCTCCGCTCCCGCCAGTCCC[G>A]CGAAGGCCTGCCCCACGTCGGCTTCTTCTTTTCTAGAAAATGATGGAAACATTTGTGCGG-3'
Protein context (NP_620688.2, residues 207-227): KKKPTWGRPS[Arg217Trp]DWRERRNAIR

ClinVar aggregate classification (germline): Uncertain significance. Review status: criteria provided, multiple submitters, no conflicts (2 of 4 stars). 2 submissions from 2 submitters: Uncertain significance (2). Last evaluated 2025-12-14.

Conditions:
Inborn genetic diseases. Identifiers: MedGen C0950123, MeSH D030342.

Allele frequency attached by ClinVar (database versions not stated): gnomAD 0.00007; ESP Exome Variant Server 0.00008; TOPMed 0.00009; 1000 Genomes Project 30x 0.00016; 1000 Genomes Project 0.00020.
gnomAD v4.1: 72 of 1,612,572 alleles (0.0045%); highest among the groups gnomAD compares: African/African-American, 0.0093%; no homozygotes.

Submissions (2):

Labcorp Genetics (formerly Invitae), Labcorp
Classification: Uncertain significance. Last evaluated: 2025-12-14. Review status: criteria provided, single submitter. Criteria: Invitae Variant Classification Sherloc (09022015). Collection method: clinical testing. Allele origin: germline.
Comment: This sequence change replaces arginine, which is basic and polar, with tryptophan, which is neutral and slightly polar, at codon 217 of the ADAMTS17 protein (p.Arg217Trp). This variant is present in population databases (rs148578396, gnomAD 0.01%). This variant has not been reported in the literature in individuals affected with ADAMTS17-related conditions. ClinVar contains an entry for this variant (Variation ID: 1390508). An algorithm developed to predict the effect of missense changes on protein structure and function outputs the following: PolyPhen-2: "Benign". The tryptophan amino acid residue is found in multiple mammalian species, which suggests that this missense change does not adversely affect protein function. In summary, the available evidence is currently insufficient to determine the role of this variant in disease. Therefore, it has been classified as a Variant of Uncertain Significance.

Ambry Genetics
Classification: Uncertain significance for Inborn genetic diseases. Last evaluated: 2022-11-09. Review status: criteria provided, single submitter. Criteria: Ambry Variant Classification Scheme 2023. Collection method: clinical testing. Allele origin: germline.